The following is an entry in ClinVar:

NM_001353345.2(SETD1B):c.760C>A (p.Gln254Lys)

Gene: SETD1B (SET domain containing 1B, histone lysine methyltransferase; plus strand). Cytogenetic location: 12q24.31.
Variant type: single nucleotide variant.
Coding change: c.760C>A on transcript NM_001353345.2 (MANE Select); coding-DNA position 760, C replaced by A.
Protein change: p.Gln254Lys; replaces glutamine 254 with lysine.
Molecular consequence: missense variant.
Genome position (GRCh38, 1-based): chr12:121,809,705, C>A. VCF-style: chr12-121809705-C-A. GRCh37 (hg19) VCF-style: chr12-122247611-C-A.
Other names: NM_015048.1:c.760C>A; short protein forms Q254K.
Identifiers: ClinVar variation 2303157 (VCV002303157.2), dbSNP rs2500182113, ClinGen allele CA386990033.

ClinVar aggregate classification (germline): Uncertain significance (1 of 4 stars; one submission).

Conditions:
Inborn genetic diseases. Identifiers: MedGen C0950123, MeSH D030342.

Submission:

Ambry Genetics
Classification: Uncertain significance for Inborn genetic diseases. Last evaluated: 2022-08-26. Review status: criteria provided, single submitter. Criteria: Ambry Variant Classification Scheme 2023. Collection method: clinical testing. Allele origin: germline.
Comment: The c.760C>A (p.Q254K) alteration is located in exon 5 (coding exon 5) of the SETD1B gene. This alteration results from a C to A substitution at nucleotide position 760, causing the glutamine (Q) at amino acid position 254 to be replaced by a lysine (K). This variant was not reported in population-based cohorts in the Genome Aggregation Database (gnomAD). This amino acid position is not well conserved in available vertebrate species. This alteration is predicted to be tolerated by in silico analysis. Based on insufficient or conflicting evidence, the clinical significance of this alteration remains unclear.